The following is an entry in ClinVar:

NM_001080488.2(ONECUT3):c.693A>G (p.Pro231=)

Gene: ONECUT3 (one cut homeobox 3; plus strand). Cytogenetic location: 19p13.3.
Variant type: single nucleotide variant.
Coding change: c.693A>G on transcript NM_001080488.2 (MANE Select); coding-DNA position 693, A replaced by G.
Protein change: p.Pro231=; no amino-acid change (proline 231 retained).
Molecular consequence: synonymous variant.
Genome position (GRCh38, 1-based): chr19:1,754,355, A>G. VCF-style: chr19-1754355-A-G. GRCh37 (hg19) VCF-style: chr19-1754354-A-G.
Identifiers: ClinVar variation 4873852 (VCV004873852.2).

ClinVar aggregate classification (germline): Likely benign (1 of 4 stars; one submission).

gnomAD v4.1: 1 of 1,083,264 alleles (0.000092%); highest among the groups gnomAD compares: Non-Finnish European, 0.00011%; no homozygotes.

Submission:

CeGaT Center for Human Genetics Tuebingen
Classification: Likely benign. Last evaluated: 2026-05-01. Review status: criteria provided, single submitter. Criteria: CeGaT Center For Human Genetics Tuebingen Variant Classification Criteria Version 2. Collection method: clinical testing. Allele origin: germline. Affected: yes. Observed: 1 variant allele.
Comment: ONECUT3: BP4, BP7